The following is an entry in ClinVar:

NM_002291.3(LAMB1):c.2009T>C (p.Val670Ala)

Gene: LAMB1 (laminin subunit beta 1; minus strand). Cytogenetic location: 7q31.1.
Variant type: single nucleotide variant.
Coding change: c.2009T>C on transcript NM_002291.3 (MANE Select); coding-DNA position 2009, T replaced by C.
Protein change: p.Val670Ala; replaces valine 670 with alanine.
Molecular consequence: missense variant.
Genome position (GRCh38, 1-based): chr7:107,961,306, A>G on the plus strand (T>C on the coding strand, the complement: LAMB1 is on the minus strand). VCF-style: chr7-107961306-A-G. GRCh37 (hg19) VCF-style: chr7-107601751-A-G.
Other names: short protein forms V670A.
Identifiers: ClinVar variation 384303 (VCV000384303.15), dbSNP rs20555, ClinGen allele CA4435778.

ClinVar aggregate classification (germline): Benign. Review status: criteria provided, multiple submitters, no conflicts (2 of 4 stars). 4 submissions from 4 submitters: Benign (3). 1 of the submissions does not count toward it. Last evaluated 2026-01-26.

Conditions:
LAMB1-related disorder. Also called: LAMB1-related condition.

Allele frequency attached by ClinVar (database versions not stated): gnomAD exomes 0.00117 and 0.00326; ExAC 0.00418; gnomAD 0.01270 and 0.01360; TOPMed 0.01398; ESP Exome Variant Server 0.01545; 1000 Genomes Project 0.01577; 1000 Genomes Project 30x 0.01780.
gnomAD v4.1: 3,692 of 1,614,078 alleles (0.23%); highest among the groups gnomAD compares: African/African-American, 4.3%; 67 homozygotes.

Submissions (4):

Labcorp Genetics (formerly Invitae), Labcorp
Classification: Benign. Last evaluated: 2026-01-26. Review status: criteria provided, single submitter. Criteria: Invitae Variant Classification Sherloc (09022015). Collection method: clinical testing. Allele origin: germline.

GeneDx
Classification: Benign. Last evaluated: 2016-06-17. Review status: criteria provided, single submitter. Criteria: GeneDx Variant Classification (06012015). Collection method: clinical testing. Allele origin: germline. Affected: yes.
Comment: This variant is considered likely benign or benign based on one or more of the following criteria: it is a conservative change, it occurs at a poorly conserved position in the protein, it is predicted to be benign by multiple in silico algorithms, and/or has population frequency not consistent with disease.

Breakthrough Genomics
Classification: Benign. Review status: criteria provided, single submitter. Criteria: ACMG Guidelines, 2015. Collection method: not provided. Allele origin: germline. Inheritance: Autosomal recessive inheritance. Affected: yes.

PreventionGenetics, part of Exact Sciences
Classification: Benign for LAMB1-related condition. Last evaluated: 2019-08-28. Review status: no assertion criteria provided. Collection method: clinical testing. Allele origin: germline. Not counted in ClinVar's aggregate classification.
Comment: This variant is classified as benign based on ACMG/AMP sequence variant interpretation guidelines (Richards et al. 2015 PMID: 25741868, with internal and published modifications).